The following is an entry in ClinVar:

ClinVar aggregate classification (germline): Uncertain significance (1 of 4 stars; one submission).

Conditions:
Seizures, benign familial infantile, 3 (BFIS3). Also called: Familial neonatal seizures; CONVULSIONS, BENIGN FAMILIAL INFANTILE, 3. Identifiers: Orphanet 140927, Orphanet 306, MedGen C1843140, MONDO:0011904, OMIM 607745.
Developmental and epileptic encephalopathy, 11 (DEE11). Also called: Early infantile epileptic encephalopathy 11. Identifiers: Orphanet 1934, MedGen C3150987, MONDO:0013388, OMIM 613721.

Submission:

Labcorp Genetics (formerly Invitae), Labcorp
Classification: Uncertain significance for Seizures, benign familial infantile, 3; Developmental and epileptic encephalopathy, 11. Last evaluated: 2023-07-10. Review status: criteria provided, single submitter. Criteria: Invitae Variant Classification Sherloc (09022015). Collection method: clinical testing. Allele origin: germline.
Comment: Advanced modeling of protein sequence and biophysical properties (such as structural, functional, and spatial information, amino acid conservation, physicochemical variation, residue mobility, and thermodynamic stability) performed at Invitae indicates that this missense variant is expected to disrupt SCN2A protein function. In summary, the available evidence is currently insufficient to determine the role of this variant in disease. Therefore, it has been classified as a Variant of Uncertain Significance. ClinVar contains an entry for this variant (Variation ID: 834373). This variant has not been reported in the literature in individuals affected with SCN2A-related conditions. This variant is not present in population databases (gnomAD no frequency). This sequence change replaces histidine, which is basic and polar, with tyrosine, which is neutral and polar, at codon 930 of the SCN2A protein (p.His930Tyr).

NM_001040142.2(SCN2A):c.2788C>T (p.His930Tyr)

Gene: SCN2A (sodium voltage-gated channel alpha subunit 2; plus strand). Cytogenetic location: 2q24.3.
Variant type: single nucleotide variant.
Coding change: c.2788C>T on transcript NM_001040142.2 (MANE Select); coding-DNA position 2788, C replaced by T.
Protein change: p.His930Tyr; replaces histidine 930 with tyrosine.
Molecular consequence: missense variant.
Genome position (GRCh38, 1-based): chr2:165,344,780, C>T. VCF-style: chr2-165344780-C-T. GRCh37 (hg19) VCF-style: chr2-166201290-C-T.
Other names: c.2788C>T, p.His930Tyr (NM_001040143.2, NM_001371246.1, NM_001371247.1 and 1 more transcripts); short protein forms H930Y.
Identifiers: ClinVar variation 834373 (VCV000834373.13), dbSNP rs1699484099, ClinGen allele CA349015583.